The following is an entry in ClinVar:

NM_020975.6(RET):c.3126C>A (p.Asp1042Glu)

Gene: RET (ret proto-oncogene; plus strand). Cytogenetic location: 10q11.21.
Variant type: single nucleotide variant.
Coding change: c.3126C>A on transcript NM_020975.6 (MANE Select); coding-DNA position 3126, C replaced by A.
Protein change: p.Asp1042Glu; replaces aspartic acid 1042 with glutamic acid.
Molecular consequence: missense variant.
Genome position (GRCh38, 1-based): chr10:43,126,661, C>A. VCF-style: chr10-43126661-C-A. GRCh37 (hg19) VCF-style: chr10-43622109-C-A.
Other names: c.3126C>A, p.Asp1042Glu (NM_000323.2, NM_001406743.1, NM_001406744.1 and 4 more transcripts); c.2364C>A, p.Asp788Glu (NM_001355216.2); c.2997C>A, p.Asp999Glu (NM_001406761.1, NM_001406762.1, NM_001406764.1); c.2991C>A, p.Asp997Glu (NM_001406763.1, NM_001406765.1); c.2838C>A, p.Asp946Glu (NM_001406766.1, NM_001406767.1, NM_001406770.1); c.2862C>A, p.Asp954Glu (NM_001406768.1); c.2730C>A, p.Asp910Glu (NM_001406769.1, NM_001406772.1); c.2688C>A, p.Asp896Glu (NM_001406771.1, NM_001406773.1); and 10 more; short protein forms D647E, D698E, D703E, D800E, D946E, D954E, D999E, D1042E.
Identifiers: ClinVar variation 1727897 (VCV001727897.6), dbSNP rs1554820168, ClinGen allele CA376558444.

ClinVar aggregate classification (germline): Uncertain significance. Review status: criteria provided, multiple submitters, no conflicts (2 of 4 stars). 2 submissions from 2 submitters: Uncertain significance (2). Last evaluated 2025-04-17.

Conditions:
Hereditary cancer-predisposing syndrome. Also called: Tumor predisposition; Neoplastic Syndromes, Hereditary; Hereditary Cancer Syndrome; Hereditary neoplastic syndrome. Identifiers: Orphanet 140162, MedGen C0027672, MeSH D009386, MONDO:0015356.
Multiple endocrine neoplasia, type 2 (MEN2). Identifiers: Orphanet 653, MedGen C4048306, MONDO:0019003. Disease mechanism: gain of function.

Allele frequency attached by ClinVar (database versions not stated): TOPMed below 0.00001.

Submissions (2):

Labcorp Genetics (formerly Invitae), Labcorp
Classification: Uncertain significance for Multiple endocrine neoplasia, type 2. Last evaluated: 2025-04-17. Review status: criteria provided, single submitter. Criteria: Invitae Variant Classification Sherloc (09022015). Collection method: clinical testing. Allele origin: germline.
Comment: This sequence change replaces aspartic acid, which is acidic and polar, with glutamic acid, which is acidic and polar, at codon 1042 of the RET protein (p.Asp1042Glu). This variant is not present in population databases (gnomAD no frequency). This variant has not been reported in the literature in individuals affected with RET-related conditions. ClinVar contains an entry for this variant (Variation ID: 1727897). An algorithm developed to predict the effect of missense changes on protein structure and function (PolyPhen-2) suggests that this variant is likely to be tolerated. Algorithms developed to predict the effect of sequence changes on RNA splicing suggest that this variant may disrupt the consensus splice site. In summary, the available evidence is currently insufficient to determine the role of this variant in disease. Therefore, it has been classified as a Variant of Uncertain Significance.

Ambry Genetics
Classification: Uncertain significance for Hereditary cancer-predisposing syndrome. Last evaluated: 2024-12-19. Review status: criteria provided, single submitter. Criteria: Ambry Variant Classification Scheme 2023. Collection method: clinical testing. Allele origin: germline.
Comment: The p.D1042E variant (also known as c.3126C>A), located in coding exon 19 of the RET gene, results from a C to A substitution at nucleotide position 3126. The aspartic acid at codon 1042 is replaced by glutamic acid, an amino acid with highly similar properties. This amino acid position is highly conserved in available vertebrate species. In addition, this alteration is predicted to be tolerated by in silico analysis. Based on the available evidence, the clinical significance of this variant remains unclear.